The following is an entry in ClinVar:

ClinVar aggregate classification (germline): Uncertain significance (1 of 4 stars; one submission).

Submission:

GeneDx
Classification: Uncertain significance. Last evaluated: 2024-12-31. Review status: criteria provided, single submitter. Criteria: GeneDx Variant Classification Process June 2021. Collection method: clinical testing. Allele origin: germline. Affected: yes.
Comment: Not observed at significant frequency in large population cohorts (gnomAD); In silico analysis indicates that this missense variant does not alter protein structure/function; Has not been previously published as pathogenic or benign to our knowledge

NM_207037.2(TCF12):c.1238C>A (p.Ser413Tyr)

Gene: TCF12 (transcription factor 12; plus strand). Cytogenetic location: 15q21.3.
Variant type: single nucleotide variant.
Coding change: c.1238C>A on transcript NM_207037.2 (MANE Select); coding-DNA position 1238, C replaced by A.
Protein change: p.Ser413Tyr; replaces serine 413 with tyrosine.
Molecular consequence: missense variant. On other transcripts: intron variant (8).
Genome position (GRCh38, 1-based): chr15:57,252,470, C>A. VCF-style: chr15-57252470-C-A. GRCh37 (hg19) VCF-style: chr15-57544668-C-A.
Other names: c.728C>A, p.Ser243Tyr (NM_001306219.3); c.1238C>A, p.Ser413Tyr (NM_001322151.2, NM_001322152.2, NM_001322159.3 and 3 more transcripts); c.581C>A, p.Ser194Tyr (NM_001322154.2); c.1064C>A, p.Ser355Tyr (NM_001322156.2); c.1189-792C>A (NM_001322157.3, NM_003205.4, NM_207038.2 and 1 more transcripts); c.1015-792C>A (NM_001322158.2); c.1225-792C>A (NM_001322164.2); c.679-792C>A (NM_207040.2); and 1 more; short protein forms S194Y, S243Y, S355Y, S413Y.
Identifiers: ClinVar variation 3907728 (VCV003907728.1).